The following is an entry in ClinVar:

NM_004560.4(ROR2):c.765G>C (p.Glu255Asp)

Gene: ROR2 (receptor tyrosine kinase like orphan receptor 2; minus strand). Cytogenetic location: 9q22.31.
Variant type: single nucleotide variant.
Coding change: c.765G>C on transcript NM_004560.4 (MANE Select); coding-DNA position 765, G replaced by C.
Protein change: p.Glu255Asp; replaces glutamic acid 255 with aspartic acid.
Molecular consequence: missense variant.
Genome position (GRCh38, 1-based): chr9:91,733,294, C>G on the plus strand (G>C on the coding strand, the complement: ROR2 is on the minus strand). VCF-style: chr9-91733294-C-G. GRCh37 (hg19) VCF-style: chr9-94495576-C-G.
Other names: c.765G>C, p.Glu255Asp (NM_001318204.2); short protein forms E255D.
Identifiers: ClinVar variation 1371855 (VCV001371855.6), dbSNP rs1223420477, ClinGen allele CA373801069.

ClinVar aggregate classification (germline): Uncertain significance (1 of 4 stars; one submission).

Submission:

Labcorp Genetics (formerly Invitae), Labcorp
Classification: Uncertain significance. Last evaluated: 2023-07-17. Review status: criteria provided, single submitter. Criteria: Invitae Variant Classification Sherloc (09022015). Collection method: clinical testing. Allele origin: germline.
Comment: In summary, the available evidence is currently insufficient to determine the role of this variant in disease. Therefore, it has been classified as a Variant of Uncertain Significance. Advanced modeling of protein sequence and biophysical properties (such as structural, functional, and spatial information, amino acid conservation, physicochemical variation, residue mobility, and thermodynamic stability) performed at Invitae indicates that this missense variant is not expected to disrupt ROR2 protein function. ClinVar contains an entry for this variant (Variation ID: 1371855). This variant has not been reported in the literature in individuals affected with ROR2-related conditions. This variant is not present in population databases (gnomAD no frequency). This sequence change replaces glutamic acid, which is acidic and polar, with aspartic acid, which is acidic and polar, at codon 255 of the ROR2 protein (p.Glu255Asp).